The following is an entry in ClinVar:

NM_000091.5(COL4A3):c.1039T>A (p.Tyr347Asn)

Genes: COL4A3 (collagen type IV alpha 3 chain; plus strand), MFF-DT (MFF divergent transcript; minus strand). Cytogenetic location: 2q36.3.
Variant type: single nucleotide variant.
Coding change: c.1039T>A on transcript NM_000091.5 (MANE Select); coding-DNA position 1039, T replaced by A.
Protein change: p.Tyr347Asn; replaces tyrosine 347 with asparagine.
Molecular consequence: missense variant.
Genome position (GRCh38, 1-based): chr2:227,259,802, T>A. VCF-style: chr2-227259802-T-A. GRCh37 (hg19) VCF-style: chr2-228124518-T-A.
Other names: short protein forms Y347N.
Identifiers: ClinVar variation 1047794 (VCV001047794.11), dbSNP rs765336013, ClinGen allele CA2146510.

ClinVar aggregate classification (germline): Conflicting classifications of pathogenicity. Review status: criteria provided, conflicting classifications (1 of 4 stars). 3 submissions from 3 submitters: Uncertain significance (2); Likely benign (1). Last evaluated 2023-12-14.

Conditions:
Autosomal dominant Alport syndrome (ATS3A). Also called: ALPORT SYNDROME 3A, AUTOSOMAL DOMINANT; Alport syndrome dominant type; Renal failure and sensorineural hearing loss. Identifiers: Orphanet 63, Orphanet 88918, MedGen C5882663, MONDO:0007086, OMIM 104200.
Autosomal recessive Alport syndrome (ATS2). Also called: COL4A4 Alport Syndrome and Thin Basement Membrane Nephropathy; ALPORT SYNDROME 2, AUTOSOMAL RECESSIVE; Alport syndrome type 2; COL4A3-Related Nephropathy. Identifiers: Orphanet 63, Orphanet 88919, MedGen C4746745, MONDO:0008762, OMIM 203780.
Benign familial hematuria. Also called: thin basement membrane disease. Identifiers: MedGen C0241908, MONDO:0957317.

Allele frequency attached by ClinVar (database versions not stated): gnomAD exomes 0.00001 and below 0.00001; ExAC 0.00002; gnomAD 0.00003 and 0.00004; TOPMed 0.00006.
gnomAD v4.1: 8 of 1,611,426 alleles (0.0005%); highest among the groups gnomAD compares: African/African-American, 0.011%; no homozygotes.

Submissions (3):

Labcorp Genetics (formerly Invitae), Labcorp
Classification: Likely benign. Last evaluated: 2023-12-14. Review status: criteria provided, single submitter. Criteria: Invitae Variant Classification Sherloc (09022015). Collection method: clinical testing. Allele origin: germline.

Fulgent Genetics
Classification: Uncertain significance for Autosomal dominant Alport syndrome; Hematuria, benign familial, 1; Autosomal recessive Alport syndrome. Last evaluated: 2021-11-30. Review status: criteria provided, single submitter. Criteria: ACMG Guidelines, 2015. Collection method: clinical testing. Allele origin: unknown.

GeneDx
Classification: Uncertain significance. Last evaluated: 2019-11-10. Review status: criteria provided, single submitter. Criteria: GeneDx Variant Classification Process June 2021. Collection method: clinical testing. Allele origin: germline. Affected: yes.
Comment: In silico analysis, which includes splice predictors and evolutionary conservation, supports that this variant does not alter protein structure/function; Has not been previously published as pathogenic or benign to our knowledge